The following is an entry in ClinVar:

NC_000023.10:g.(32613994_32632419)_(32663270_32715986)dup

Gene: DMD (dystrophin; minus strand). Cytogenetic location: Xp21.1.
Variant type: Duplication.
Identifiers: ClinVar variation 2445759 (VCV002445759.1).

ClinVar aggregate classification (germline): Uncertain significance (1 of 4 stars; one submission).

Submission:

Women's Health and Genetics/Laboratory Corporation of America, LabCorp
Classification: Uncertain significance. Last evaluated: 2023-02-09. Review status: criteria provided, single submitter. Criteria: LabCorp Variant Classification Summary - May 2015. Collection method: clinical testing. Allele origin: germline.
Comment: Variant summary: The variant identified by MLPA or other technology involves the duplication of exons 10-12 in the DMD gene. A presumed nomenclature of c.(960+1_961-1)_(1482+1_1483-1)dup has been designated for the purposes of this classification. It has been assumed that this is a tandem duplication in direct orientation (Richardson_GIM_2018, Neuman_AJHG_2015). Although exact breakpoints of this duplication are not known, it is expected to result in a large in-frame duplication change in the DMD gene. The variant was absent in approximately 15,000 control chromosomes (gnomAD, Structural Variants dataset). The available data on variant occurrences in the general population are insufficient to allow any conclusion about variant significance. The variant, c.(960+1_961-1)_(1482+1_1483-1)dup, has been reported in the literature in an individual affected with Becker muscular dystrophy phenotype (Ling_2020). These data do not allow clear conclusions about variant significance. To our knowledge, no experimental evidence demonstrating an impact on protein function has been reported. No clinical diagnostic laboratories have submitted clinical-significance assessments for this variant to ClinVar after 2014. Based on the evidence outlined above, the variant was classified as uncertain significance.

Literature cited by the submitters: PubMed 31705731.